The following is an entry in ClinVar:

NM_002474.3(MYH11):c.1575+8G>A

Gene: MYH11 (myosin heavy chain 11; minus strand). Cytogenetic location: 16p13.11.
Variant type: single nucleotide variant.
Coding change: c.1575+8G>A on transcript NM_002474.3 (MANE Select); 8 bases into the intron after coding-DNA position 1575, G replaced by A.
Molecular consequence: intron variant.
Genome position (GRCh38, 1-based): chr16:15,757,819, C>T on the plus strand (G>A on the coding strand, the complement: MYH11 is on the minus strand). VCF-style: chr16-15757819-C-T. GRCh37 (hg19) VCF-style: chr16-15851676-C-T.
Other names: c.1575+8G>A (NM_022844.3); c.1596+8G>A (NM_001040114.2, NM_001040113.2).
Identifiers: ClinVar variation 386218 (VCV000386218.1), dbSNP rs1057522453, ClinGen allele CA16607995.

ClinVar aggregate classification (germline): Likely benign (1 of 4 stars; one submission).

Allele frequency attached by ClinVar (database versions not stated): gnomAD exomes below 0.00001.
gnomAD v4.1: 1 of 1,612,500 alleles (0.000062%); highest among the groups gnomAD compares: African/African-American, 0.0013%; no homozygotes.

Submission:

GeneDx
Classification: Likely benign. Last evaluated: 2016-05-19. Review status: criteria provided, single submitter. Criteria: GeneDx Variant Classification (06012015). Collection method: clinical testing. Allele origin: germline. Affected: yes.
Comment: This variant is considered likely benign or benign based on one or more of the following criteria: it is a conservative change, it occurs at a poorly conserved position in the protein, it is predicted to be benign by multiple in silico algorithms, and/or has population frequency not consistent with disease.